The following is an entry in ClinVar:

NM_001042492.3(NF1):c.3582C>G (p.Asp1194Glu)

Gene: NF1 (neurofibromin 1; plus strand). Cytogenetic location: 17q11.2.
Variant type: single nucleotide variant.
Coding change: c.3582C>G on transcript NM_001042492.3 (MANE Select); coding-DNA position 3582, C replaced by G.
Protein change: p.Asp1194Glu; replaces aspartic acid 1194 with glutamic acid.
Molecular consequence: missense variant.
Genome position (GRCh38, 1-based): chr17:31,233,087, C>G. VCF-style: chr17-31233087-C-G. GRCh37 (hg19) VCF-style: chr17-29560105-C-G.
Other names: c.3582C>G, p.Asp1194Glu (NM_000267.4); short protein forms D1194E.
Identifiers: ClinVar variation 1316907 (VCV001316907.2), dbSNP rs1555615036, ClinGen allele CA398990170.

ClinVar aggregate classification (germline): Uncertain significance (1 of 4 stars; one submission).

Submission:

GeneDx
Classification: Uncertain significance. Last evaluated: 2019-05-03. Review status: criteria provided, single submitter. Criteria: GeneDx Variant Classification Process June 2021. Collection method: clinical testing. Allele origin: germline. Affected: yes.
Comment: Not observed in large population cohorts (Lek et al., 2016); Has not been previously published as pathogenic or benign to our knowledge